The following is an entry in ClinVar:

ClinVar aggregate classification (germline): Pathogenic (1 of 4 stars; one submission).

Submission:

Athena Diagnostics
Classification: Pathogenic. Last evaluated: 2023-10-04. Review status: criteria provided, single submitter. Criteria: Athena Diagnostics Criteria. Collection method: clinical testing. Allele origin: unknown.
Comment: This variant is expected to result in the loss of a functional protein. This variant has been identified in at least one individual with clinical features associated with optic atrophy. This variant has not been reported in large, multi-ethnic general populations.

NM_130837.3(OPA1):c.2751C>G (p.Tyr917Ter)

Gene: OPA1 (OPA1 mitochondrial dynamin like GTPase; plus strand). Cytogenetic location: 3q29.
Variant type: single nucleotide variant.
Coding change: c.2751C>G on transcript NM_130837.3 (MANE Select); coding-DNA position 2751, C replaced by G.
Protein change: p.Tyr917Ter; replaces tyrosine 917 with a stop codon.
Molecular consequence: nonsense.
Genome position (GRCh38, 1-based): chr3:193,664,969, C>G. VCF-style: chr3-193664969-C-G. GRCh37 (hg19) VCF-style: chr3-193382758-C-G.
Other names: c.2217C>G, p.Tyr739Ter (NM_001354663.2); c.2214C>G, p.Tyr738Ter (NM_001354664.2); c.2586C>G, p.Tyr862Ter (NM_015560.3); c.2478C>G, p.Tyr826Ter (NM_130831.3); c.2532C>G, p.Tyr844Ter (NM_130832.3); c.2589C>G, p.Tyr863Ter (NM_130833.3); c.2640C>G, p.Tyr880Ter (NM_130834.3); c.2643C>G, p.Tyr881Ter (NM_130835.3); and 1 more; short protein forms Y880*, Y881*, Y899*, Y738*, Y826*, Y917*, Y739*, Y844*.
Identifiers: ClinVar variation 805097 (VCV000805097.2), dbSNP rs1577327315, ClinGen allele CA355795531.
Genomic context (GRCh38, chr3:193,664,969, plus strand): 5'-AAGACATTTTTTAAAAACAGCTCTAAACCATTGTAACCTTTGTCGAAGAGGTTTTTATTA[C>G]TACCAAAGGCATTTTGTAGATTCTGAGGTAAGGTTTCCAAAAACAAAGAGAAGTATTTTT-3'